The following is an entry in ClinVar:

ClinVar aggregate classification (germline): Uncertain significance. Review status: criteria provided, multiple submitters, no conflicts (2 of 4 stars). 2 submissions from 2 submitters: Uncertain significance (2). Last evaluated 2024-10-09.

Conditions:
Hereditary cancer-predisposing syndrome. Also called: Hereditary Cancer Syndrome; Hereditary neoplastic syndrome; Neoplastic Syndromes, Hereditary; Tumor predisposition. Identifiers: Orphanet 140162, MedGen C0027672, MeSH D009386, MONDO:0015356.
Rhabdoid tumor predisposition syndrome 2 (RTPS2). Identifiers: Orphanet 231108, Orphanet 69077, MedGen C2750074, MONDO:0013224, OMIM 613325.

Allele frequency attached by ClinVar (database versions not stated): gnomAD exomes below 0.00001 and 0.00001; gnomAD 0.00001; 1000 Genomes Project 0.00020; 1000 Genomes Project 30x 0.00031.
gnomAD v4.1: 6 of 1,541,028 alleles (0.00039%); highest among the groups gnomAD compares: South Asian, 0.0024%; no homozygotes.

Submissions (2):

Labcorp Genetics (formerly Invitae), Labcorp
Classification: Uncertain significance for Rhabdoid tumor predisposition syndrome 2. Last evaluated: 2024-10-09. Review status: criteria provided, single submitter. Criteria: Invitae Variant Classification Sherloc (09022015). Collection method: clinical testing. Allele origin: germline.
Comment: This sequence change replaces glycine, which is neutral and non-polar, with serine, which is neutral and polar, at codon 231 of the SMARCA4 protein (p.Gly231Ser). The frequency data for this variant in the population databases is considered unreliable, as metrics indicate poor data quality at this position in the gnomAD database. This missense change has been observed in individual(s) with endometrial cancer (PMID: 30093976). ClinVar contains an entry for this variant (Variation ID: 408686). An algorithm developed to predict the effect of missense changes on protein structure and function (PolyPhen-2) suggests that this variant is likely to be disruptive. In summary, the available evidence is currently insufficient to determine the role of this variant in disease. Therefore, it has been classified as a Variant of Uncertain Significance.

Ambry Genetics
Classification: Uncertain significance for Hereditary cancer-predisposing syndrome. Last evaluated: 2024-07-03. Review status: criteria provided, single submitter. Criteria: Ambry Variant Classification Scheme 2023. Collection method: clinical testing. Allele origin: germline.
Comment: The p.G231S variant (also known as c.691G>A), located in coding exon 3 of the SMARCA4 gene, results from a G to A substitution at nucleotide position 691. The glycine at codon 231 is replaced by serine, an amino acid with similar properties. This amino acid position is highly conserved in available vertebrate species. In addition, the in silico prediction for this alteration is inconclusive. Based on the available evidence, the clinical significance of this variant remains unclear.

Literature cited by the submitters: PubMed 30093976 (cited by Labcorp Genetics (formerly Invitae), Labcorp).

NM_003072.5(SMARCA4):c.691G>A (p.Gly231Ser)

Gene: SMARCA4 (SWI/SNF related BAF chromatin remodeling complex subunit ATPase 4; plus strand). Cytogenetic location: 19p13.2.
Variant type: single nucleotide variant.
Coding change: c.691G>A on transcript NM_003072.5 (MANE Select); coding-DNA position 691, G replaced by A.
Protein change: p.Gly231Ser; replaces glycine 231 with serine.
Molecular consequence: missense variant. On other transcripts: non-coding transcript variant (1).
Genome position (GRCh38, 1-based): chr19:10,986,524, G>A. VCF-style: chr19-10986524-G-A. GRCh37 (hg19) VCF-style: chr19-11097200-G-A.
Other names: c.691G>A, p.Gly231Ser (NM_001128844.3, NM_001128845.2, NM_001128846.2 and 5 more transcripts); short protein forms G231S.
Identifiers: ClinVar variation 408686 (VCV000408686.13), dbSNP rs555467836, ClinGen allele CA16615862.